The following is an entry in ClinVar:

NM_016507.4(CDK12):c.890G>A (p.Arg297Lys)

Genes: CDK12 (cyclin dependent kinase 12; plus strand), LOC126862553 (CDK7 strongly-dependent group 2 enhancer GRCh37_chr17:37618166-37619365; plus strand). Cytogenetic location: 17q12.
Variant type: single nucleotide variant.
Coding change: c.890G>A on transcript NM_016507.4 (MANE Select); coding-DNA position 890, G replaced by A.
Protein change: p.Arg297Lys; replaces arginine 297 with lysine.
Molecular consequence: missense variant.
Genome position (GRCh38, 1-based): chr17:39,462,961, G>A. VCF-style: chr17-39462961-G-A. GRCh37 (hg19) VCF-style: chr17-37619214-G-A.
Other names: c.890G>A, p.Arg297Lys (NM_015083.4); short protein forms R297K.
Identifiers: ClinVar variation 4224343 (VCV004224343.1).
Genomic context (GRCh38, chr17:39,462,961, plus strand): 5'-CCCCTTACAAGGAGCCTTCGGCCTACCAGTCCAGCACCCGGTCACCGAGCCCCTACAGTA[G>A]GCGACAGAGATCTGTCAGTCCCTATAGCAGGAGACGGTCGTCCAGCTACGAAAGAAGTGG-3'
Protein context (NP_057591.2, residues 287-307): SSTRSPSPYS[Arg297Lys]RQRSVSPYSR

ClinVar aggregate classification (germline): Uncertain significance (1 of 4 stars; one submission).

gnomAD v4.1: 1 of 1,614,198 alleles (0.000062%); highest among the groups gnomAD compares: Non-Finnish European, 0.000085%; no homozygotes.

Submission:

Ambry Genetics
Classification: Uncertain significance. Last evaluated: 2025-08-03. Review status: criteria provided, single submitter. Criteria: Ambry Variant Classification Scheme 2023. Collection method: clinical testing. Allele origin: germline.
Comment: The p.R297K variant (also known as c.890G>A), located in coding exon 1 of the CDK12 gene, results from a G to A substitution at nucleotide position 890. The arginine at codon 297 is replaced by lysine, an amino acid with highly similar properties. This amino acid position is conserved. In addition, this alteration is predicted to be tolerated by in silico analysis. Based on the available evidence, the clinical significance of this variant remains unclear.